The following is an entry in ClinVar:

NM_144666.3(DNHD1):c.9463G>A (p.Gly3155Ser)

Gene: DNHD1 (dynein heavy chain domain 1; plus strand). Cytogenetic location: 11p15.4.
Variant type: single nucleotide variant.
Coding change: c.9463G>A on transcript NM_144666.3 (MANE Select); coding-DNA position 9463, G replaced by A.
Protein change: p.Gly3155Ser; replaces glycine 3155 with serine.
Molecular consequence: missense variant.
Genome position (GRCh38, 1-based): chr11:6,559,227, G>A. VCF-style: chr11-6559227-G-A. GRCh37 (hg19) VCF-style: chr11-6580457-G-A.
Other names: short protein forms G3155S.
Identifiers: ClinVar variation 785338 (VCV000785338.8), dbSNP rs189381995, ClinGen allele CA5856391.

ClinVar aggregate classification (germline): Benign/Likely benign. Review status: criteria provided, multiple submitters, no conflicts (2 of 4 stars). 4 submissions from 4 submitters: Benign (2); Likely benign (1). 1 of the submissions does not count toward it. Last evaluated 2025-08-20.

Conditions:
DNHD1-related disorder. Also called: DNHD1-related condition.

Allele frequency attached by ClinVar (database versions not stated): gnomAD exomes 0.00075; ExAC 0.00156; gnomAD 0.00336 and 0.00359; TOPMed 0.00345; ESP Exome Variant Server 0.00416; 1000 Genomes Project 0.00539; 1000 Genomes Project 30x 0.00625.
gnomAD v4.1: 970 of 1,551,624 alleles (0.063%); highest among the groups gnomAD compares: African/African-American, 1.1%; 5 homozygotes.

Submissions (4):

Ambry Genetics
Classification: Likely benign. Last evaluated: 2025-08-20. Review status: criteria provided, single submitter. Criteria: Ambry Variant Classification Scheme 2023. Collection method: clinical testing. Allele origin: germline.

Labcorp Genetics (formerly Invitae), Labcorp
Classification: Benign. Last evaluated: 2019-12-31. Review status: criteria provided, single submitter. Criteria: Invitae Variant Classification Sherloc (09022015). Collection method: clinical testing. Allele origin: germline.

Breakthrough Genomics
Classification: Benign. Review status: criteria provided, single submitter. Criteria: ACMG Guidelines, 2015. Collection method: not provided. Allele origin: germline. Inheritance: Autosomal recessive inheritance. Affected: yes.

PreventionGenetics, part of Exact Sciences
Classification: Benign for DNHD1-related condition. Last evaluated: 2019-06-18. Review status: no assertion criteria provided. Collection method: clinical testing. Allele origin: germline. Not counted in ClinVar's aggregate classification.
Comment: This variant is classified as benign based on ACMG/AMP sequence variant interpretation guidelines (Richards et al. 2015 PMID: 25741868, with internal and published modifications).